The following is an entry in ClinVar:

ClinVar aggregate classification (germline): Uncertain significance (1 of 4 stars; one submission).

Allele frequency attached by ClinVar (database versions not stated): gnomAD exomes below 0.00001.
gnomAD v4.1: 7 of 1,614,170 alleles (0.00043%); highest among the groups gnomAD compares: Non-Finnish European, 0.00051%; no homozygotes.

Submission:

GeneDx
Classification: Uncertain significance. Last evaluated: 2022-04-12. Review status: criteria provided, single submitter. Criteria: GeneDx Variant Classification Process June 2021. Collection method: clinical testing. Allele origin: germline. Affected: yes.
Comment: Has not been previously published as pathogenic or benign to our knowledge; In silico analysis supports that this missense variant does not alter protein structure/function; Not observed at significant frequency in large population cohorts (gnomAD)

NM_005006.7(NDUFS1):c.533A>G (p.Gln178Arg)

Gene: NDUFS1 (NADH:ubiquinone oxidoreductase core subunit S1; minus strand). Cytogenetic location: 2q33.3.
Variant type: single nucleotide variant.
Coding change: c.533A>G on transcript NM_005006.7 (MANE Select); coding-DNA position 533, A replaced by G.
Protein change: p.Gln178Arg; replaces glutamine 178 with arginine.
Molecular consequence: missense variant.
Genome position (GRCh38, 1-based): chr2:206,147,549, T>C on the plus strand (A>G on the coding strand, the complement: NDUFS1 is on the minus strand). VCF-style: chr2-206147549-T-C. GRCh37 (hg19) VCF-style: chr2-207012273-T-C.
Other names: c.425A>G, p.Gln142Arg (NM_001199981.2); c.200A>G, p.Gln67Arg (NM_001199982.2); c.362A>G, p.Gln121Arg (NM_001199983.2); c.575A>G, p.Gln192Arg (NM_001199984.2); short protein forms Q121R, Q142R, Q178R, Q192R, Q67R.
Identifiers: ClinVar variation 1710748 (VCV001710748.2), dbSNP rs1265553810, ClinGen allele CA350060917.
Genomic context (GRCh38, chr2:206,147,549, plus strand): 5'-ACAATTATATTCTATAATAGAAAAAAAAGGAAAAAAAGTTACCTGATGCAGCGAGTACAC[T>C]GTATACATCTTGTCATGATGGTCTTTACCAATGGCCCAATGTTCTTGTCTTCCACAGCAC-3'
Protein context (NP_004997.4, residues 168-188): LVKTIMTRCI[Gln178Arg]CTRCIRFASE